The following is an entry in ClinVar:

NM_005765.3(ATP6AP2):c.980A>G (p.Asn327Ser)

Gene: ATP6AP2 (ATPase H+ transporting accessory protein 2; plus strand). Cytogenetic location: Xp11.4.
Variant type: single nucleotide variant.
Coding change: c.980A>G on transcript NM_005765.3 (MANE Select); coding-DNA position 980, A replaced by G.
Protein change: p.Asn327Ser; replaces asparagine 327 with serine.
Molecular consequence: missense variant.
Genome position (GRCh38, 1-based): chrX:40,605,682, A>G. VCF-style: chrX-40605682-A-G. GRCh37 (hg19) VCF-style: chrX-40464934-A-G.
Other names: short protein forms N327S.
Identifiers: ClinVar variation 199114 (VCV000199114.12), dbSNP rs183052805, ClinGen allele CA248136.

ClinVar aggregate classification (germline): Conflicting classifications of pathogenicity. Review status: criteria provided, conflicting classifications (1 of 4 stars). 4 submissions from 4 submitters: Uncertain significance (3); Likely benign (1). Last evaluated 2024-04-10.

Conditions:
Inborn genetic diseases. Identifiers: MedGen C0950123, MeSH D030342.
Intellectual developmental disorder, X-linked, syndromic, Hedera type. Also called: Syndromic X-linked intellectual disability Hedera type. Identifiers: Orphanet 93952, MedGen C1845543, MONDO:0010319, OMIM 300423.

Allele frequency attached by ClinVar (database versions not stated): gnomAD 0.00003 and 0.00004; gnomAD exomes 0.00004 and 0.00006; TOPMed 0.00005; ExAC 0.00006; 1000 Genomes Project 30x 0.00021; 1000 Genomes Project 0.00026.
gnomAD v4.1: 64 of 1,207,710 alleles (0.0053%); highest among the groups gnomAD compares: Non-Finnish European, 0.0068%; no homozygotes.

Submissions (4):

Labcorp Genetics (formerly Invitae), Labcorp
Classification: Uncertain significance for Intellectual developmental disorder, X-linked, syndromic, Hedera type. Last evaluated: 2024-04-10. Review status: criteria provided, single submitter. Criteria: Invitae Variant Classification Sherloc (09022015). Collection method: clinical testing. Allele origin: germline.
Comment: This sequence change replaces asparagine, which is neutral and polar, with serine, which is neutral and polar, at codon 327 of the ATP6AP2 protein (p.Asn327Ser). This variant is present in population databases (rs183052805, gnomAD 0.009%). This variant has not been reported in the literature in individuals affected with ATP6AP2-related conditions. ClinVar contains an entry for this variant (Variation ID: 199114). Advanced modeling of protein sequence and biophysical properties (such as structural, functional, and spatial information, amino acid conservation, physicochemical variation, residue mobility, and thermodynamic stability) performed at Invitae indicates that this missense variant is not expected to disrupt ATP6AP2 protein function with a negative predictive value of 80%. In summary, the available evidence is currently insufficient to determine the role of this variant in disease. Therefore, it has been classified as a Variant of Uncertain Significance.

Revvity Omics, Revvity
Classification: Uncertain significance. Last evaluated: 2022-12-15. Review status: criteria provided, single submitter. Criteria: ACMG Guidelines, 2015. Collection method: clinical testing. Allele origin: germline.

Ambry Genetics
Classification: Likely benign for Inborn genetic diseases. Last evaluated: 2022-05-11. Review status: criteria provided, single submitter. Criteria: Ambry Variant Classification Scheme 2023. Collection method: clinical testing. Allele origin: germline.

Eurofins Ntd Llc (ga)
Classification: Uncertain significance. Last evaluated: 2014-05-22. Review status: criteria provided, single submitter. Criteria: EGL Classification Definitions 2015. Collection method: clinical testing. Allele origin: germline. Observed: 2 variant alleles, 2 heterozygotes.